The following is an entry in ClinVar:

ClinVar aggregate classification (germline): Pathogenic (1 of 4 stars; one submission).

Submission:

Labcorp Genetics (formerly Invitae), Labcorp
Classification: Pathogenic. Last evaluated: 2024-02-05. Review status: criteria provided, single submitter. Criteria: Invitae Variant Classification Sherloc (09022015). Collection method: clinical testing. Allele origin: germline.
Comment: This sequence change creates a premature translational stop signal (p.Leu740Alafs*42) in the LZTR1 gene. It is expected to result in an absent or disrupted protein product. Loss-of-function variants in LZTR1 are known to be pathogenic (PMID: 24362817, 25335493, 25480913, 25795793, 29469822, 30368668, 30442762, 30442766, 30481304, 30859559). This variant is not present in population databases (gnomAD no frequency). This variant has not been reported in the literature in individuals affected with LZTR1-related conditions. For these reasons, this variant has been classified as Pathogenic.

Literature cited by the submitters: PubMed 24362817; PubMed 25335493; PubMed 25480913; PubMed 25795793; PubMed 29469822; PubMed 30368668; PubMed 30442762; PubMed 30442766; PubMed 30481304; PubMed 30859559.

NM_006767.4(LZTR1):c.2217dup (p.Leu740fs)

Gene: LZTR1 (leucine zipper like post translational regulator 1; plus strand). Cytogenetic location: 22q11.21.
Variant type: Duplication.
Coding change: c.2217dup on transcript NM_006767.4 (MANE Select); coding-DNA position 2217, one base duplicated (G; older notation c.2217dupG).
Protein change: p.Leu740fs; shifts the reading frame from leucine 740.
Molecular consequence: frameshift variant.
Genome position (GRCh38, 1-based): chr22:20,996,110, G duplicated. VCF-style (leftmost placement, unchanged base first): chr22-20996109-C-CG. GRCh37 (hg19) VCF-style: chr22-21350398-C-CG.
Other names: short protein forms L740fs.
Identifiers: ClinVar variation 2771853 (VCV002771853.3), dbSNP rs2518624776, ClinGen allele CA2697547697.